The following is an entry in ClinVar:

ClinVar aggregate classification (germline): Uncertain significance (1 of 4 stars; one submission).

Conditions:
NOTCH2-related disorder. Also called: NOTCH2-related condition.

Submission:

PreventionGenetics, part of Exact Sciences
Classification: Uncertain significance for NOTCH2-related condition. Last evaluated: 2026-03-03. Review status: criteria provided, single submitter. Criteria: ACMG Guidelines, 2015. Collection method: clinical testing. Allele origin: germline.
Comment: The NOTCH2 c.7129C>G variant is predicted to result in the amino acid substitution p.Pro2377Ala. To our knowledge, this variant has not been reported in the literature or in a large population database (gnomAD), indicating this variant is rare. At this time, the clinical significance of this variant is uncertain due to the absence of conclusive functional and genetic evidence.

NM_024408.4(NOTCH2):c.7129C>G (p.Pro2377Ala)

Gene: NOTCH2 (notch receptor 2; minus strand). Cytogenetic location: 1p12.
Variant type: single nucleotide variant.
Coding change: c.7129C>G on transcript NM_024408.4 (MANE Select); coding-DNA position 7129, C replaced by G.
Protein change: p.Pro2377Ala; replaces proline 2377 with alanine.
Molecular consequence: missense variant.
Genome position (GRCh38, 1-based): chr1:119,915,593, G>C on the plus strand (C>G on the coding strand, the complement: NOTCH2 is on the minus strand). VCF-style: chr1-119915593-G-C. GRCh37 (hg19) VCF-style: chr1-120458216-G-C.
Other names: short protein forms P2377A.
Identifiers: ClinVar variation 3345232 (VCV003345232.2).
Genomic context (GRCh38, chr1:119,915,593, plus strand): 5'-CATTTGAGGAAGCATAACTGTGCTGTGAAGGGGGTGTGGGGTACTTGCCCACAGAGGCTG[G>C]GAAAGGATGATAGGCTGGGAGAATGGTCTGAGCTACCTGCCCGTCCTGCTGGGGCATCAT-3'
Protein context (NP_077719.2, residues 2367-2387): QTILPAYHPF[Pro2377Ala]ASVGKYPTPP